The following is an entry in ClinVar:

NM_133433.4(NIPBL):c.64C>T (p.Leu22Phe)

Gene: NIPBL (NIPBL cohesin loading factor; plus strand). Cytogenetic location: 5p13.2.
Variant type: single nucleotide variant.
Coding change: c.64C>T on transcript NM_133433.4 (MANE Select); coding-DNA position 64, C replaced by T.
Protein change: p.Leu22Phe; replaces leucine 22 with phenylalanine.
Molecular consequence: missense variant.
Genome position (GRCh38, 1-based): chr5:36,953,760, C>T. VCF-style: chr5-36953760-C-T. GRCh37 (hg19) VCF-style: chr5-36953862-C-T.
Other names: c.64C>T, p.Leu22Phe (NM_015384.5); short protein forms L22F.
Identifiers: ClinVar variation 3592214 (VCV003592214.2).
Genomic context (GRCh38, chr5:36,953,760, plus strand): 5'-AATGGGGATATGCCCCATGTCCCCATTACTACTCTTGCGGGGATTGCTAGTCTCACAGAC[C>T]GTAAGTTTGGTTAATTTATCTAATTTAAGTTCTACTGTGTGTTAACAATAATTTTTACAG-3'
Protein context (NP_597677.2, residues 12-32): TLAGIASLTD[Leu22Phe]LNQLPLPSPL

ClinVar aggregate classification (germline): Uncertain significance. Review status: criteria provided, multiple submitters, no conflicts (2 of 4 stars). 2 submissions from 2 submitters: Uncertain significance (2). Last evaluated 2025-06-01.

Conditions:
Cornelia de Lange syndrome 1 (CDLS1). Also called: TYPUS DEGENERATIVUS AMSTELODAMENSIS; Brachmann de Lange syndrome; NIPBL-Related Cornelia de Lange Syndrome. Identifiers: Orphanet 199, MedGen C4551851, MONDO:0007387, OMIM 122470.

gnomAD v4.1: 7 of 1,611,024 alleles (0.00043%); highest among the groups gnomAD compares: African/African-American, 0.0027%; no homozygotes.

Submissions (2):

Labcorp Genetics (formerly Invitae), Labcorp
Classification: Uncertain significance for Cornelia de Lange syndrome 1. Last evaluated: 2025-06-01. Review status: criteria provided, single submitter. Criteria: Invitae Variant Classification Sherloc (09022015). Collection method: clinical testing. Allele origin: germline.
Comment: This sequence change replaces leucine, which is neutral and non-polar, with phenylalanine, which is neutral and non-polar, at codon 22 of the NIPBL protein (p.Leu22Phe). This variant is not present in population databases (gnomAD no frequency). This variant has not been reported in the literature in individuals affected with NIPBL-related conditions. ClinVar contains an entry for this variant (Variation ID: 3592214). An algorithm developed to predict the effect of missense changes on protein structure and function (PolyPhen-2) suggests that this variant is likely to be disruptive. In summary, the available evidence is currently insufficient to determine the role of this variant in disease. Therefore, it has been classified as a Variant of Uncertain Significance.

Fulgent Genetics
Classification: Uncertain significance for Cornelia de Lange syndrome 1. Last evaluated: 2024-05-10. Review status: criteria provided, single submitter. Criteria: ACMG Guidelines, 2015. Collection method: clinical testing. Allele origin: germline.